The following is an entry in ClinVar:

ClinVar aggregate classification (germline): Uncertain significance (1 of 4 stars; one submission).

Conditions:
Cardiovascular phenotype. Identifiers: MedGen CN230736.

Submission:

Ambry Genetics
Classification: Uncertain significance for Cardiovascular phenotype. Last evaluated: 2026-07-21. Review status: criteria provided, single submitter. Criteria: Ambry Variant Classification Scheme 2023. Collection method: clinical testing. Allele origin: germline.
Comment: The p.F216S variant (also known as c.647T>C), located in coding exon 2 of the RASA1 gene, results from a T to C substitution at nucleotide position 647. The phenylalanine at codon 216 is replaced by serine, an amino acid with highly dissimilar properties. This amino acid position is conserved. In addition, this alteration is predicted to be deleterious by in silico analysis. Based on the available evidence, the clinical significance of this variant remains unclear.

NM_002890.3(RASA1):c.647T>C (p.Phe216Ser)

Genes: CCNH (cyclin H; minus strand), RASA1 (RAS p21 protein activator 1; plus strand). Cytogenetic location: 5q14.3.
Variant type: single nucleotide variant.
Coding change: c.647T>C on transcript NM_002890.3 (MANE Select); coding-DNA position 647, T replaced by C.
Protein change: p.Phe216Ser; replaces phenylalanine 216 with serine.
Molecular consequence: missense variant. On other transcripts: intron variant (1).
Genome position (GRCh38, 1-based): chr5:87,331,455, T>C. VCF-style: chr5-87331455-T-C. GRCh37 (hg19) VCF-style: chr5-86627272-T-C.
Other names: c.116T>C, p.Phe39Ser (NM_022650.3); c.934-18660A>G (NM_001364075.2); short protein forms F39S, F216S.
Identifiers: ClinVar variation 5027873 (VCV005027873.1).
Genomic context (GRCh38, chr5:87,331,455, plus strand): 5'-GGCAGGCAGGGAAGTCTGGCAGTTATCTTATAAGAGAGAGTGATCGGAGGCCAGGGTCCT[T>C]TGTACTTTCATTTCTTAGCCAGATGAATGTTGTCAACCATTTTAGGTAAGTCTTTATTCC-3'
Protein context (NP_002881.1, residues 206-226): IRESDRRPGS[Phe216Ser]VLSFLSQMNV